The following is an entry in ClinVar:

ClinVar aggregate classification (germline): Benign (1 of 4 stars; one submission).

Conditions:
Familial cancer of breast. Also called: BREAST CANCER, FAMILIAL; Hereditary breast cancer; hereditary breast carcinoma. Identifiers: Orphanet 227535, MedGen C0346153, MONDO:0016419, OMIM 114480. Disease mechanism: loss of function.

Submission:

Myriad Genetics, Inc.
Classification: Benign for Familial cancer of breast. Last evaluated: 2024-04-18. Review status: criteria provided, single submitter. Criteria: Myriad Autosomal Dominant, Autosomal Recessive and X-Linked Classification Criteria (2023). Collection method: clinical testing. Allele origin: unknown.
Comment: This variant is considered benign. This variant is a silent/synonymous amino acid change and it is not expected to impact splicing.

NM_000051.4(ATM):c.246A>C (p.Val82=)

Gene: ATM (ATM serine/threonine kinase; plus strand). Cytogenetic location: 11q22.3.
Variant type: single nucleotide variant.
Coding change: c.246A>C on transcript NM_000051.4 (MANE Select); coding-DNA position 246, A replaced by C.
Protein change: p.Val82=; no amino-acid change (valine 82 retained).
Molecular consequence: synonymous variant.
Genome position (GRCh38, 1-based): chr11:108,229,238, A>C. VCF-style: chr11-108229238-A-C. GRCh37 (hg19) VCF-style: chr11-108099965-A-C.
Other names: c.246A>C, p.Val82= (NM_001351834.2, NM_001351835.2, NM_001351836.2).
Identifiers: ClinVar variation 3254220 (VCV003254220.1), dbSNP rs757944864.